The following is an entry in ClinVar:

ClinVar aggregate classification (germline): Likely pathogenic (1 of 4 stars; one submission).

Allele frequency attached by ClinVar (database versions not stated): gnomAD exomes below 0.00001.
gnomAD v4.1: 4 of 1,613,654 alleles (0.00025%); highest among the groups gnomAD compares: Non-Finnish European, 0.00034%; no homozygotes.

Submission:

Labcorp Genetics (formerly Invitae), Labcorp
Classification: Likely pathogenic. Last evaluated: 2025-03-31. Review status: criteria provided, single submitter. Criteria: Invitae Variant Classification Sherloc (09022015). Collection method: clinical testing. Allele origin: germline.
Comment: This sequence change affects an acceptor splice site in intron 3 of the MMP13 gene. It is expected to disrupt RNA splicing. Variants that disrupt the donor or acceptor splice site typically lead to a loss of protein function (PMID: 16199547), and loss-of-function variants in MMP13 are known to be pathogenic (PMID: 24781753, 31413057). This variant is not present in population databases (gnomAD no frequency). This variant has not been reported in the literature in individuals affected with MMP13-related conditions. ClinVar contains an entry for this variant (Variation ID: 2097868). Algorithms developed to predict the effect of sequence changes on RNA splicing suggest that this variant may disrupt the consensus splice site. In summary, the currently available evidence indicates that the variant is pathogenic, but additional data are needed to prove that conclusively. Therefore, this variant has been classified as Likely Pathogenic.

Literature cited by the submitters: PubMed 16199547; PubMed 24781753; PubMed 31413057.

NM_002427.4(MMP13):c.512-1G>C

Gene: MMP13 (matrix metallopeptidase 13; minus strand). Cytogenetic location: 11q22.2.
Variant type: single nucleotide variant.
Coding change: c.512-1G>C on transcript NM_002427.4 (MANE Select); the canonical splice acceptor site of the intron before coding-DNA position 512, G replaced by C.
Molecular consequence: splice acceptor variant.
Genome position (GRCh38, 1-based): chr11:102,954,282, C>G on the plus strand (G>C on the coding strand, the complement: MMP13 is on the minus strand). VCF-style: chr11-102954282-C-G. GRCh37 (hg19) VCF-style: chr11-102825011-C-G.
Identifiers: ClinVar variation 2097868 (VCV002097868.4), dbSNP rs2496467270, ClinGen allele CA382230824.